The following is an entry in ClinVar:

ClinVar aggregate classification (germline): Benign/Likely benign. Review status: criteria provided, multiple submitters, no conflicts (2 of 4 stars). 4 submissions from 4 submitters: Benign (2); Likely benign (2). Last evaluated 2026-06-01.

Conditions:
Hyperammonemic encephalopathy due to carbonic anhydrase VA deficiency. Also called: Carbonic Anhydrase VA Deficiency; Carbonic anhydrase VA deficiency, hyperammonemia due to. Identifiers: Orphanet 401948, MedGen C4706871, MONDO:0014332, OMIM 615751.

Allele frequency attached by ClinVar (database versions not stated): gnomAD exomes 0.00026 and 0.00066; ExAC 0.00081; gnomAD 0.00197 and 0.00200; TOPMed 0.00238; 1000 Genomes Project 0.00280; ESP Exome Variant Server 0.00285; 1000 Genomes Project 30x 0.00297.
gnomAD v4.1: 717 of 1,613,814 alleles (0.044%); highest among the groups gnomAD compares: African/African-American, 0.71%; 5 homozygotes.

Submissions (4):

CeGaT Center for Human Genetics Tuebingen
Classification: Likely benign. Last evaluated: 2026-06-01. Review status: criteria provided, single submitter. Criteria: CeGaT Center For Human Genetics Tuebingen Variant Classification Criteria Version 2. Collection method: clinical testing. Allele origin: germline. Affected: yes. Observed: 3 variant alleles.
Comment: CA5A: BP4, BP7

Labcorp Genetics (formerly Invitae), Labcorp
Classification: Benign for Hyperammonemic encephalopathy due to carbonic anhydrase VA deficiency. Last evaluated: 2025-10-01. Review status: criteria provided, single submitter. Criteria: Invitae Variant Classification Sherloc (09022015). Collection method: clinical testing. Allele origin: germline.

Blueprint Genetics
Classification: Likely benign. Last evaluated: 2024-10-11. Review status: criteria provided, single submitter. Criteria: ACMG Guidelines, 2015. Collection method: clinical testing. Allele origin: germline.

Breakthrough Genomics
Classification: Benign. Review status: criteria provided, single submitter. Criteria: ACMG Guidelines, 2015. Collection method: not provided. Allele origin: germline. Inheritance: Autosomal recessive inheritance. Affected: yes.

NM_001739.2(CA5A):c.882G>A (p.Ala294=)

Gene: CA5A (carbonic anhydrase 5A; minus strand). Cytogenetic location: 16q24.2.
Variant type: single nucleotide variant.
Coding change: c.882G>A on transcript NM_001739.2 (MANE Select); coding-DNA position 882, G replaced by A.
Protein change: p.Ala294=; no amino-acid change (alanine 294 retained).
Molecular consequence: synonymous variant. On other transcripts: non-coding transcript variant (2), intron variant (1).
Genome position (GRCh38, 1-based): chr16:87,888,165, C>T on the plus strand (G>A on the coding strand, the complement: CA5A is on the minus strand). VCF-style: chr16-87888165-C-T. GRCh37 (hg19) VCF-style: chr16-87921771-C-T.
Other names: c.774+3634G>A (NM_001367225.1).
Identifiers: ClinVar variation 791684 (VCV000791684.18), dbSNP rs150891997, ClinGen allele CA8223226.